The following is an entry in ClinVar:

ClinVar aggregate classification (germline): Uncertain significance. Review status: criteria provided, multiple submitters, no conflicts (2 of 4 stars). 2 submissions from 2 submitters: Uncertain significance (2). Last evaluated 2025-11-02.

Conditions:
Cardiovascular phenotype. Identifiers: MedGen CN230736.
Hypercholesterolemia, autosomal dominant, type B (FHCL2). Also called: APOB-Related Familial Hypercholesterolemia, Autosomal Dominant; Familial Hypercholesterolemia Type B; APOLIPOPROTEIN B-100, FAMILIAL DEFECTIVE; APOLIPOPROTEIN B-100, FAMILIAL LIGAND-DEFECTIVE; HYPERCHOLESTEROLEMIA, FAMILIAL, DUE TO LIGAND-DEFECTIVE APOLIPOPROTEIN B; Hyperlipoproteinemia Type IIb. Identifiers: MedGen C1704417, MONDO:0007751, OMIM 144010.
Familial hypobetalipoproteinemia 1. Also called: Hypobetalipoproteinemia, normotriglyceridemic; Acanthocytosis with hypobetalipoproteinemia; APOB-Related Familial Hypobetalipoproteinemia. Identifiers: MedGen C4551990, MONDO:0014252, OMIM 615558.

Allele frequency attached by ClinVar (database versions not stated): gnomAD 0.00001; TOPMed 0.00002.
gnomAD v4.1: 4 of 1,613,996 alleles (0.00025%); highest among the groups gnomAD compares: Admixed American, 0.005%; no homozygotes.

Submissions (2):

Ambry Genetics
Classification: Uncertain significance for Cardiovascular phenotype. Last evaluated: 2025-11-02. Review status: criteria provided, single submitter. Criteria: Ambry Variant Classification Scheme 2023. Collection method: clinical testing. Allele origin: germline.

Labcorp Genetics (formerly Invitae), Labcorp
Classification: Uncertain significance for Familial hypobetalipoproteinemia 1; Hypercholesterolemia, autosomal dominant, type B. Last evaluated: 2025-10-27. Review status: criteria provided, single submitter. Criteria: Invitae Variant Classification Sherloc (09022015). Collection method: clinical testing. Allele origin: germline.
Comment: This sequence change replaces threonine, which is neutral and polar, with serine, which is neutral and polar, at codon 3140 of the APOB protein (p.Thr3140Ser). This variant is not present in population databases (gnomAD no frequency). This variant has not been reported in the literature in individuals affected with APOB-related conditions. ClinVar contains an entry for this variant (Variation ID: 2922513). Invitae Evidence Modeling of protein sequence and biophysical properties (such as structural, functional, and spatial information, amino acid conservation, physicochemical variation, residue mobility, and thermodynamic stability) indicates that this missense variant is not expected to disrupt APOB protein function with a negative predictive value of 95%. In summary, the available evidence is currently insufficient to determine the role of this variant in disease. Therefore, it has been classified as a Variant of Uncertain Significance.

NM_000384.3(APOB):c.9418A>T (p.Thr3140Ser)

Gene: APOB (apolipoprotein B; minus strand). Cytogenetic location: 2p24.1.
Variant type: single nucleotide variant.
Coding change: c.9418A>T on transcript NM_000384.3 (MANE Select); coding-DNA position 9418, A replaced by T.
Protein change: p.Thr3140Ser; replaces threonine 3140 with serine.
Molecular consequence: missense variant.
Genome position (GRCh38, 1-based): chr2:21,007,450, T>A on the plus strand (A>T on the coding strand, the complement: APOB is on the minus strand). VCF-style: chr2-21007450-T-A. GRCh37 (hg19) VCF-style: chr2-21230322-T-A.
Other names: short protein forms T3140S.
Identifiers: ClinVar variation 2922513 (VCV002922513.5), dbSNP rs1437638424, ClinGen allele CA345990157.